The following is an entry in ClinVar:

NM_004104.5(FASN):c.5648C>T (p.Ala1883Val)

Gene: FASN (fatty acid synthase; minus strand). Cytogenetic location: 17q25.3.
Variant type: single nucleotide variant.
Coding change: c.5648C>T on transcript NM_004104.5 (MANE Select); coding-DNA position 5648, C replaced by T.
Protein change: p.Ala1883Val; replaces alanine 1883 with valine.
Molecular consequence: missense variant.
Genome position (GRCh38, 1-based): chr17:82,083,033, G>A on the plus strand (C>T on the coding strand, the complement: FASN is on the minus strand). VCF-style: chr17-82083033-G-A. GRCh37 (hg19) VCF-style: chr17-80040909-G-A.
Other names: short protein forms A1883V.
Identifiers: ClinVar variation 570409 (VCV000570409.8), dbSNP rs746732861, ClinGen allele CA8851606.

ClinVar aggregate classification (germline): Uncertain significance (1 of 4 stars; one submission).

Conditions:
Epileptic encephalopathy. Identifiers: MedGen C0543888, HP:0200134.

Allele frequency attached by ClinVar (database versions not stated): gnomAD exomes 0.00001 and below 0.00001; ExAC 0.00001.
gnomAD v4.1: 3 of 1,612,708 alleles (0.00019%); highest among the groups gnomAD compares: African/African-American, 0.0027%; no homozygotes.

Submission:

Labcorp Genetics (formerly Invitae), Labcorp
Classification: Uncertain significance for Epileptic encephalopathy. Last evaluated: 2025-08-30. Review status: criteria provided, single submitter. Criteria: Invitae Variant Classification Sherloc (09022015). Collection method: clinical testing. Allele origin: germline.
Comment: This sequence change replaces alanine, which is neutral and non-polar, with valine, which is neutral and non-polar, at codon 1883 of the FASN protein (p.Ala1883Val). This variant is present in population databases (rs746732861, gnomAD 0.007%). This variant has not been reported in the literature in individuals affected with FASN-related conditions. ClinVar contains an entry for this variant (Variation ID: 570409). An algorithm developed to predict the effect of missense changes on protein structure and function (PolyPhen-2) suggests that this variant is likely to be tolerated. In summary, the available evidence is currently insufficient to determine the role of this variant in disease. Therefore, it has been classified as a Variant of Uncertain Significance.